The following is an entry in ClinVar:

ClinVar aggregate classification (germline): Uncertain significance (1 of 4 stars; one submission).

Submission:

Labcorp Genetics (formerly Invitae), Labcorp
Classification: Uncertain significance. Last evaluated: 2022-08-22. Review status: criteria provided, single submitter. Criteria: Invitae Variant Classification Sherloc (09022015). Collection method: clinical testing. Allele origin: germline.
Comment: In summary, the available evidence is currently insufficient to determine the role of this variant in disease. Therefore, it has been classified as a Variant of Uncertain Significance. Algorithms developed to predict the effect of missense changes on protein structure and function (SIFT, PolyPhen-2, Align-GVGD) all suggest that this variant is likely to be disruptive. This variant has not been reported in the literature in individuals affected with FBLN1-related conditions. This variant is not present in population databases (gnomAD no frequency). This sequence change replaces asparagine, which is neutral and polar, with serine, which is neutral and polar, at codon 401 of the FBLN1 protein (p.Asn401Ser).

NM_006486.3(FBLN1):c.1202A>G (p.Asn401Ser)

Gene: FBLN1 (fibulin 1; plus strand). Cytogenetic location: 22q13.31.
Variant type: single nucleotide variant.
Coding change: c.1202A>G on transcript NM_006486.3 (MANE Select); coding-DNA position 1202, A replaced by G.
Protein change: p.Asn401Ser; replaces asparagine 401 with serine.
Molecular consequence: missense variant.
Genome position (GRCh38, 1-based): chr22:45,543,407, A>G. VCF-style: chr22-45543407-A-G. GRCh37 (hg19) VCF-style: chr22-45939287-A-G.
Other names: c.1202A>G, p.Asn401Ser (NM_001996.4, NM_006485.4, NM_006487.3); short protein forms N401S.
Identifiers: ClinVar variation 2026315 (VCV002026315.4), dbSNP rs2518182964, ClinGen allele CA411895202.
Genomic context (GRCh38, chr22:45,543,407, plus strand): 5'-TGTGGTGCCACTGTGTTGGACATTGCCCTGAGTCAGCCCACCCCTCACTTTCAGATGTCA[A>G]CGAGTGCCAGCGCTACCCCGGGCGCCTGTGTGGCCACAAGTGCGAGAACACGCTGGGCTC-3'
Protein context (NP_006477.3, residues 391-411): DGISRMCVDV[Asn401Ser]ECQRYPGRLC